The following is an entry in ClinVar:

ClinVar aggregate classification (germline): Uncertain significance (1 of 4 stars; one submission).

Conditions:
Hereditary cancer-predisposing syndrome. Also called: Tumor predisposition; Neoplastic Syndromes, Hereditary; Hereditary neoplastic syndrome; Hereditary Cancer Syndrome. Identifiers: Orphanet 140162, MedGen C0027672, MeSH D009386, MONDO:0015356.

gnomAD v4.1: 1 of 1,614,070 alleles (0.000062%); highest among the groups gnomAD compares: Non-Finnish European, 0.000085%; no homozygotes.

Submission:

Ambry Genetics
Classification: Uncertain significance for Hereditary cancer-predisposing syndrome. Last evaluated: 2025-07-07. Review status: criteria provided, single submitter. Criteria: Ambry Variant Classification Scheme 2023. Collection method: clinical testing. Allele origin: germline.
Comment: The p.N1306S variant (also known as c.3917A>G), located in coding exon 19 of the MET gene, results from an A to G substitution at nucleotide position 3917. The asparagine at codon 1306 is replaced by serine, an amino acid with highly similar properties. This amino acid position is conserved. In addition, this alteration is predicted to be tolerated by in silico analysis. Based on the available evidence, the clinical significance of this variant remains unclear.

NM_000245.4(MET):c.3863A>G (p.Asn1288Ser)

Gene: MET (MET proto-oncogene, receptor tyrosine kinase; plus strand). Cytogenetic location: 7q31.2.
Variant type: single nucleotide variant.
Coding change: c.3863A>G on transcript NM_000245.4 (MANE Select); coding-DNA position 3863, A replaced by G.
Protein change: p.Asn1288Ser; replaces asparagine 1288 with serine.
Molecular consequence: missense variant.
Genome position (GRCh38, 1-based): chr7:116,795,719, A>G. VCF-style: chr7-116795719-A-G. GRCh37 (hg19) VCF-style: chr7-116435773-A-G.
Other names: c.3917A>G, p.Asn1306Ser (NM_001127500.3); c.2573A>G, p.Asn858Ser (NM_001324402.2); short protein forms N1306S, N858S, N1288S.
Identifiers: ClinVar variation 4106759 (VCV004106759.1).